The following is an entry in ClinVar:

ClinVar aggregate classification (germline): Uncertain significance (1 of 4 stars; one submission).

Conditions:
Intellectual disability, X-linked, with or without seizures, ARX-related. Also called: Mental retardation, X-linked 52; MENTAL RETARDATION, X-LINKED 29; MENTAL RETARDATION, X-LINKED 32; MENTAL RETARDATION, X-LINKED 33; MENTAL RETARDATION, X-LINKED 38; MENTAL RETARDATION, X-LINKED 43. Identifiers: Orphanet 777, MedGen C0796244, MONDO:0010317, OMIM 300419.
Developmental and epileptic encephalopathy, 1 (DEE1). Also called: X-linked infantile spasms; West's syndrome; Tonic spasms with clustering, arrest of psychomotor development and hypsarrhythmia on EEG; X-Linked Infantile Spasm Syndrome; OHTAHARA SYNDROME, X-LINKED; INFANTILE SPASM SYNDROME, X-LINKED 1. Identifiers: MedGen C3463992, MONDO:0010632, OMIM 308350. Disease mechanism: loss of function.

Submission:

Labcorp Genetics (formerly Invitae), Labcorp
Classification: Uncertain significance for Developmental and epileptic encephalopathy, 1; Intellectual disability, X-linked, with or without seizures, ARX-related. Last evaluated: 2025-08-30. Review status: criteria provided, single submitter. Criteria: Invitae Variant Classification Sherloc (09022015). Collection method: clinical testing. Allele origin: germline.
Comment: This sequence change replaces alanine, which is neutral and non-polar, with glycine, which is neutral and non-polar, at codon 283 of the ARX protein (p.Ala283Gly). This variant is not present in population databases (gnomAD no frequency). This variant has not been reported in the literature in individuals affected with ARX-related conditions. Invitae Evidence Modeling of protein sequence and biophysical properties (such as structural, functional, and spatial information, amino acid conservation, physicochemical variation, residue mobility, and thermodynamic stability) indicates that this missense variant is not expected to disrupt ARX protein function with a negative predictive value of 80%. In summary, the available evidence is currently insufficient to determine the role of this variant in disease. Therefore, it has been classified as a Variant of Uncertain Significance.

NM_139058.3(ARX):c.848C>G (p.Ala283Gly)

Gene: ARX (aristaless related homeobox; minus strand). Cytogenetic location: Xp21.3.
Variant type: single nucleotide variant.
Coding change: c.848C>G on transcript NM_139058.3 (MANE Select); coding-DNA position 848, C replaced by G.
Protein change: p.Ala283Gly; replaces alanine 283 with glycine.
Molecular consequence: missense variant.
Genome position (GRCh38, 1-based): chrX:25,013,147, G>C on the plus strand (C>G on the coding strand, the complement: ARX is on the minus strand). VCF-style: chrX-25013147-G-C. GRCh37 (hg19) VCF-style: chrX-25031264-G-C.
Other names: short protein forms A283G.
Identifiers: ClinVar variation 4791503 (VCV004791503.1).